The following is an entry in ClinVar:

ClinVar aggregate classification (germline): Uncertain significance (1 of 4 stars; one submission).

Conditions:
Dilated cardiomyopathy 1G (CMD1G). Identifiers: Orphanet 154, MedGen C1858763, MONDO:0011400, OMIM 604145.
Autosomal recessive limb-girdle muscular dystrophy type 2J (LGMDR10). Also called: MUSCULAR DYSTROPHY, LIMB-GIRDLE, AUTOSOMAL RECESSIVE 10; Limb-girdle muscular dystrophy, type 2J. Identifiers: Orphanet 140922, MedGen C1837342, MONDO:0012127, OMIM 608807.

Allele frequency attached by ClinVar (database versions not stated): gnomAD exomes below 0.00001 and 0.00001; ExAC 0.00001.
gnomAD v4.1: 5 of 1,613,620 alleles (0.00031%); highest among the groups gnomAD compares: South Asian, 0.0044%; no homozygotes.

Submission:

Labcorp Genetics (formerly Invitae), Labcorp
Classification: Uncertain significance for Dilated cardiomyopathy 1G; Autosomal recessive limb-girdle muscular dystrophy type 2J. Last evaluated: 2025-02-05. Review status: criteria provided, single submitter. Criteria: Invitae Variant Classification Sherloc (09022015). Collection method: clinical testing. Allele origin: germline.
Comment: This sequence change replaces lysine with glutamine at codon 35889 of the TTN protein (p.Lys35889Gln). There is a small physicochemical difference between lysine and glutamine. This variant is present in population databases (rs760849988, gnomAD 0.006%). This variant has not been reported in the literature in individuals affected with TTN-related conditions. ClinVar contains an entry for this variant (Variation ID: 1433603). Experimental studies and prediction algorithms are not available or were not evaluated, and the functional significance of this variant is currently unknown. This variant is located in the M band of TTN (PMID: 25589632). Non-truncating variants in this region may be relevant for neuromuscular disorders, but have not been definitively shown to cause cardiomyopathy (PMID: 23975875). In summary, the available evidence is currently insufficient to determine the role of this variant in disease. Therefore, it has been classified as a Variant of Uncertain Significance.

Literature cited by the submitters: PubMed 25589632; PubMed 23975875.

NM_001267550.2(TTN):c.107665A>C (p.Lys35889Gln)

Genes: TTN-AS1 (TTN antisense RNA 1; plus strand), TTN (titin; minus strand). Cytogenetic location: 2q31.2.
Variant type: single nucleotide variant.
Coding change: c.107665A>C on transcript NM_001267550.2 (MANE Select); coding-DNA position 107665, A replaced by C.
Protein change: p.Lys35889Gln; replaces lysine 35889 with glutamine.
Molecular consequence: missense variant.
Genome position (GRCh38, 1-based): chr2:178,527,461, T>G on the plus strand (A>C on the coding strand, the complement: TTN is on the minus strand). VCF-style: chr2-178527461-T-G. GRCh37 (hg19) VCF-style: chr2-179392188-T-G.
Other names: c.102742A>C, p.Lys34248Gln (NM_001256850.1); c.80470A>C, p.Lys26824Gln (NM_003319.4); c.99961A>C, p.Lys33321Gln (NM_133378.4); c.80845A>C, p.Lys26949Gln (NM_133432.3); c.81046A>C, p.Lys27016Gln (NM_133437.4); short protein forms K35889Q, K26824Q, K26949Q, K33321Q, K27016Q, K34248Q.
Identifiers: ClinVar variation 1433603 (VCV001433603.6), dbSNP rs760849988, ClinGen allele CA1984915.